The following is an entry in ClinVar:

ClinVar aggregate classification (germline): Uncertain significance. Review status: criteria provided, multiple submitters, no conflicts (2 of 4 stars). 2 submissions from 2 submitters: Uncertain significance (2). Last evaluated 2026-03-18.

Conditions:
Cardiomyopathy (CMYO). Also called: Cardiomyopathies. Identifiers: Orphanet 167848, MedGen C0878544, MONDO:0004994, HP:0001638. Inheritance: Various modes of inheritance.
TTN-related disorder. Also called: TTN-related disorders; TTN-related condition; TTN-related disease.

Allele frequency attached by ClinVar (database versions not stated): ExAC 0.00002; gnomAD 0.00002; gnomAD exomes 0.00002 and 0.00003; TOPMed 0.00003.
gnomAD v4.1: 35 of 1,613,136 alleles (0.0022%); highest among the groups gnomAD compares: Non-Finnish European, 0.0027%; no homozygotes.

Submissions (2):

PreventionGenetics, part of Exact Sciences
Classification: Uncertain significance for TTN-related condition. Last evaluated: 2026-03-18. Review status: criteria provided, single submitter. Criteria: ACMG Guidelines, 2015. Collection method: clinical testing. Allele origin: germline.
Comment: The TTN c.43918C>T variant is predicted to result in the amino acid substitution p.Arg14640Cys. This variant has been reported with a second TTN missense variant in two individuals from a family with dilated cardiomyopathy (Begay et al. 2015. PubMed ID: 26567375). This variant is reported in 0.0063% of alleles in individuals of European (Non-Finnish) descent in gnomAD. At this time, the clinical significance of this variant is uncertain due to the absence of conclusive functional and genetic evidence.

CHEO Genetics Diagnostic Laboratory, Children's Hospital of Eastern Ontario
Classification: Uncertain significance for Cardiomyopathy. Last evaluated: 2021-03-09. Review status: criteria provided, single submitter. Criteria: ACMG Guidelines, 2015. Collection method: clinical testing. Allele origin: germline.

NM_001267550.2(TTN):c.43918C>T (p.Arg14640Cys)

Gene: TTN (titin; minus strand). Cytogenetic location: 2q31.2.
Variant type: single nucleotide variant.
Coding change: c.43918C>T on transcript NM_001267550.2 (MANE Select); coding-DNA position 43918, C replaced by T.
Protein change: p.Arg14640Cys; replaces arginine 14640 with cysteine.
Molecular consequence: missense variant.
Genome position (GRCh38, 1-based): chr2:178,631,130, G>A on the plus strand (C>T on the coding strand, the complement: TTN is on the minus strand). VCF-style: chr2-178631130-G-A. GRCh37 (hg19) VCF-style: chr2-179495857-G-A.
Other names: c.38995C>T, p.Arg12999Cys (NM_001256850.1); c.16723C>T, p.Arg5575Cys (NM_003319.4); c.36214C>T, p.Arg12072Cys (NM_133378.4); c.17098C>T, p.Arg5700Cys (NM_133432.3); c.17299C>T, p.Arg5767Cys (NM_133437.4); short protein forms R12072C, R12999C, R14640C, R5575C, R5700C, R5767C.
Identifiers: ClinVar variation 1329151 (VCV001329151.6), dbSNP rs72650088, ClinGen allele CA1995791.